The following is an entry in ClinVar:

ClinVar aggregate classification (germline): Pathogenic (1 of 4 stars; one submission).

Submission:

Labcorp Genetics (formerly Invitae), Labcorp
Classification: Pathogenic. Last evaluated: 2022-10-03. Review status: criteria provided, single submitter. Criteria: Invitae Variant Classification Sherloc (09022015). Collection method: clinical testing. Allele origin: germline.
Comment: For these reasons, this variant has been classified as Pathogenic. This variant has not been reported in the literature in individuals affected with TUBGCP4-related conditions. This variant is not present in population databases (gnomAD no frequency). This sequence change creates a premature translational stop signal (p.Gln431*) in the TUBGCP4 gene. It is expected to result in an absent or disrupted protein product. Loss-of-function variants in TUBGCP4 are known to be pathogenic (PMID: 25817018).

Literature cited by the submitters: PubMed 25817018.

NM_014444.5(TUBGCP4):c.1288C>T (p.Gln430Ter)

Gene: TUBGCP4 (tubulin gamma complex component 4; plus strand). Cytogenetic location: 15q15.3.
Variant type: single nucleotide variant.
Coding change: c.1288C>T on transcript NM_014444.5 (MANE Select); coding-DNA position 1288, C replaced by T.
Protein change: p.Gln430Ter; replaces glutamine 430 with a stop codon.
Molecular consequence: nonsense.
Genome position (GRCh38, 1-based): chr15:43,398,049, C>T. VCF-style: chr15-43398049-C-T. GRCh37 (hg19) VCF-style: chr15-43690247-C-T.
Other names: c.1291C>T, p.Gln431Ter (NM_001286414.3); short protein forms Q430*, Q431*.
Identifiers: ClinVar variation 2413338 (VCV002413338.6), dbSNP rs2543072613, ClinGen allele CA392132713.